The following is an entry in ClinVar:

NM_020884.7(MYH7B):c.3544C>T (p.Arg1182Trp)

Gene: MYH7B (myosin heavy chain 7B; plus strand). Cytogenetic location: 20q11.22.
Variant type: single nucleotide variant.
Coding change: c.3544C>T on transcript NM_020884.7 (MANE Select); coding-DNA position 3544, C replaced by T.
Protein change: p.Arg1182Trp; replaces arginine 1182 with tryptophan.
Molecular consequence: missense variant.
Genome position (GRCh38, 1-based): chr20:34,997,437, C>T. VCF-style: chr20-34997437-C-T. GRCh37 (hg19) VCF-style: chr20-33585240-C-T.
Other names: short protein forms R1182W.
Identifiers: ClinVar variation 3297544 (VCV003297544.2).

ClinVar aggregate classification (germline): Uncertain significance. Review status: criteria provided, multiple submitters, no conflicts (2 of 4 stars). 2 submissions from 2 submitters: Uncertain significance (2). Last evaluated 2025-11-01.

Submissions (2):

Labcorp Genetics (formerly Invitae), Labcorp
Classification: Uncertain significance. Last evaluated: 2025-11-01. Review status: criteria provided, single submitter. Criteria: Invitae Variant Classification Sherloc (09022015). Collection method: clinical testing. Allele origin: germline.
Comment: This sequence change replaces arginine, which is basic and polar, with tryptophan, which is neutral and slightly polar, at codon 1224 of the MYH7B protein (p.Arg1224Trp). This variant is not present in population databases (gnomAD no frequency). This variant has not been reported in the literature in individuals affected with MYH7B-related conditions. ClinVar contains an entry for this variant (Variation ID: 3297544). Invitae Evidence Modeling of protein sequence and biophysical properties (such as structural, functional, and spatial information, amino acid conservation, physicochemical variation, residue mobility, and thermodynamic stability) indicates that this missense variant is expected to disrupt MYH7B protein function with a positive predictive value of 80%. In summary, the available evidence is currently insufficient to determine the role of this variant in disease. Therefore, it has been classified as a Variant of Uncertain Significance.

Ambry Genetics
Classification: Uncertain significance. Last evaluated: 2024-05-13. Review status: criteria provided, single submitter. Criteria: Ambry Variant Classification Scheme 2023. Collection method: clinical testing. Allele origin: germline.